The following is an entry in ClinVar:

ClinVar aggregate classification (germline): Benign/Likely benign. Review status: criteria provided, multiple submitters, no conflicts (2 of 4 stars). 4 submissions from 4 submitters: Benign (1); Likely benign (3). Last evaluated 2023-08-29.

Conditions:
Ehlers-Danlos syndrome (EDS). Identifiers: Orphanet 98249, MedGen C0013720, MONDO:0020066.

Allele frequency attached by ClinVar (database versions not stated): gnomAD 0.00531; ExAC 0.03023; gnomAD exomes 0.00847 and 0.00735; 1000 Genomes Project 0.00859; 1000 Genomes Project 30x 0.00953.

Submissions (4):

Mayo Clinic Laboratories, Mayo Clinic
Classification: Benign. Last evaluated: 2023-08-29. Review status: criteria provided, single submitter. Criteria: ACMG Guidelines, 2015. Collection method: clinical testing. Allele origin: germline. Observed: 28 variant alleles.
Comment: BS1, BS2, BP4, BP7

Genome Diagnostics Laboratory, The Hospital for Sick Children
Classification: Likely benign for Ehlers-Danlos syndrome. Last evaluated: 2021-07-08. Review status: criteria provided, single submitter. Criteria: ACMG Guidelines, 2015. Collection method: clinical testing. Allele origin: germline.

Breakthrough Genomics
Classification: Likely benign. Review status: criteria provided, single submitter. Criteria: ACMG Guidelines, 2015. Collection method: not provided. Allele origin: germline. Inheritance: Autosomal recessive inheritance. Affected: yes.

PreventionGenetics, part of Exact Sciences
Classification: Likely benign. Review status: criteria provided, single submitter. Criteria: ACMG Guidelines, 2015. Collection method: clinical testing. Allele origin: germline.

NM_001365276.2(TNXB):c.12378C>T (p.Asp4126=)

Genes: TNXB (tenascin XB; minus strand), LOC106780803 (tenascin XB recombination region; plus strand). Cytogenetic location: 6p21.33.
Variant type: single nucleotide variant.
Coding change: c.12378C>T on transcript NM_001365276.2 (MANE Select); coding-DNA position 12378, C replaced by T.
Protein change: p.Asp4126=; no amino-acid change (aspartic acid 4126 retained).
Molecular consequence: synonymous variant.
Genome position (GRCh38, 1-based): chr6:32,042,103, G>A on the plus strand (C>T on the coding strand, the complement: TNXB is on the minus strand). VCF-style: chr6-32042103-G-A. GRCh37 (hg19) VCF-style: chr6-32009880-G-A.
Other names: p.Asp4124=; c.12372C>T, p.Asp4124= (NM_019105.8); c.1665C>T, p.Asp555= (NM_032470.4).
Identifiers: ClinVar variation 261123 (VCV000261123.7), dbSNP rs11755562, ClinGen allele CA3732796.